The following is an entry in ClinVar:

NM_003482.4(KMT2D):c.2994del (p.Pro998_Met999insTer)

Gene: KMT2D (lysine methyltransferase 2D; minus strand). Cytogenetic location: 12q13.12.
Variant type: Deletion.
Coding change: c.2994del on transcript NM_003482.4 (MANE Select); coding-DNA position 2994, one base deleted (T; older notation c.2994delT).
Protein change: p.Pro998_Met999insTer.
Molecular consequence: frameshift variant.
Genome position (GRCh38, 1-based): chr12:49,050,594, A deleted on the plus strand (T on the coding strand, the reverse complement: KMT2D is on the minus strand). VCF-style (leftmost placement, unchanged base first): chr12-49050593-TA-T. GRCh37 (hg19) VCF-style: chr12-49444376-TA-T.
Other names: c.2994delT (NM_003482.3, NM_003482.4).
Identifiers: ClinVar variation 375634 (VCV000375634.7), dbSNP rs1057519595, ClinGen allele CA16044400.
Genomic context (GRCh38, chr12:49,050,593, plus strand): 5'-GCTCCATCAGGATGGGAGAAGCCGGCCCCACTGGGGAGCCTGGAGATGGGGGAAGGATCA[TA>T]GGGGGGACAGGCTCAGGGTCAGTGCAGTTAGCTTCTGGTGGAGGGCTGATGGGTGTCTCC-3'

ClinVar aggregate classification (germline): Pathogenic. Review status: criteria provided, multiple submitters, no conflicts (2 of 4 stars). 5 submissions from 5 submitters: Pathogenic (4). 1 of the submissions does not count toward it. Last evaluated 2026-01-29.
ClinVar aggregate classification (oncogenicity): Likely oncogenic (1 of 4 stars; one submission).

Conditions:
Kabuki syndrome. Also called: NIIKAWA-KUROKI SYNDROME; Kabuki make-up syndrome. Identifiers: Orphanet 2322, MedGen C0796004, MONDO:0016512.
KMT2D-related disorder. Also called: KMT2D-Related Disorders.
Kabuki syndrome 1 (KABUK1). Also called: KMT2D-Related Kabuki Syndrome. Identifiers: Orphanet 2322, MedGen CN030661, MONDO:0007843, OMIM 147920.
Neoplasm. Also called: tumor; Neoplasms; Neoplasm (disease). Identifiers: MedGen C0027651, MeSH D009369, MONDO:0005070, HP:0002664.

Allele frequency attached by ClinVar (database versions not stated): gnomAD 0.00001.

Submissions (6):

Center for Genomic Medicine, Rigshospitalet, Copenhagen University Hospital
Classification: Likely oncogenic for Neoplasm. Last evaluated: 2026-10-16. Review status: criteria provided, single submitter. Criteria: ClinGen/CGC/VICC Guidelines for Oncogenicity, 2022. Collection method: clinical testing. Allele origin: somatic. Affected: yes.

GeneDx
Classification: Pathogenic. Last evaluated: 2026-01-29. Review status: criteria provided, single submitter. Criteria: GeneDx Variant Classification Process June 2021. Collection method: clinical testing. Allele origin: germline.
Comment: Nonsense variant predicted to result in protein truncation or nonsense mediated decay in a gene for which loss of function is a known mechanism of disease; Not observed at significant frequency in large population cohorts (gnomAD); This variant is associated with the following publications: (PMID: 37236975, 36479909, 23913813, 27353043)

Labcorp Genetics (formerly Invitae), Labcorp
Classification: Pathogenic for Kabuki syndrome. Last evaluated: 2019-06-03. Review status: criteria provided, single submitter. Criteria: Invitae Variant Classification Sherloc (09022015). Collection method: clinical testing. Allele origin: germline.
Comment: This sequence change creates a premature translational stop signal (p.Met999*) in the KMT2D gene. It is expected to result in an absent or disrupted protein product. This variant is not present in population databases (ExAC no frequency). This variant has been observed in an individual affected with Kabuki syndrome (PMID: 27353043). ClinVar contains an entry for this variant (Variation ID: 375634). Loss-of-function variants in KMT2D are known to be pathogenic (PMID: 22126750). For these reasons, this variant has been classified as Pathogenic.

Genomic Medicine Lab, University of California San Francisco
Classification: Pathogenic for Kabuki syndrome 1. Last evaluated: 2018-08-16. Review status: criteria provided, single submitter. Criteria: ACMG Guidelines, 2015. Collection method: clinical testing. Allele origin: de novo. Inheritance: Autosomal dominant inheritance. Affected: yes. Study: CSER.

Center of Genomic medicine, Geneva, University Hospital of Geneva
Classification: Pathogenic for Kabuki syndrome 1. Last evaluated: 2015-11-19. Review status: criteria provided, single submitter. Criteria: ACMG Guidelines, 2015. Collection method: clinical testing. Allele origin: de novo. Affected: yes.
Comment: Loss of function mutations in KMT2D (MLL2) are known to cause Kabuki syndrome and here we report a mutation causing a truncated and non-functional MLL2 protein.

PreventionGenetics, part of Exact Sciences
Classification: Pathogenic for KMT2D-related condition. Last evaluated: 2024-09-23. Review status: no assertion criteria provided. Collection method: clinical testing. Allele origin: germline. Not counted in ClinVar's aggregate classification.
Comment: The KMT2D c.2994delT variant is predicted to result in premature protein termination (p.Met999*). This variant has been reported to be causative for Kabuki syndrome (Fokstuen et al. 2016. PubMed ID: 27353043; Table S14, Slavotinek et al. 2023. PubMed ID: 37236975). This variant has not been reported in a large population database, indicating this variant is rare. Nonsense variants in KMT2D are expected to be pathogenic. This variant is interpreted as pathogenic.

Literature cited by the submitters: PubMed 27353043 (cited by Labcorp Genetics (formerly Invitae), Labcorp); PubMed 23913813 (cited by Center of Genomic medicine, Geneva, University Hospital of Geneva).